The following is an entry in ClinVar:

ClinVar aggregate classification (germline): Likely pathogenic (1 of 4 stars; one submission).

Allele frequency attached by ClinVar (database versions not stated): gnomAD 0.00001; ExAC 0.00002; TOPMed 0.00002; ESP Exome Variant Server 0.00008.
gnomAD v4.1: 3 of 1,614,070 alleles (0.00019%); highest among the groups gnomAD compares: African/African-American, 0.004%; no homozygotes.

Submission:

Labcorp Genetics (formerly Invitae), Labcorp
Classification: Likely pathogenic. Last evaluated: 2025-09-10. Review status: criteria provided, single submitter. Criteria: Invitae Variant Classification Sherloc (09022015). Collection method: clinical testing. Allele origin: germline.
Comment: This sequence change replaces aspartic acid, which is acidic and polar, with glutamic acid, which is acidic and polar, at codon 1128 of the ABCA4 protein (p.Asp1128Glu). This variant is present in population databases (rs369922919, gnomAD 0.02%). This variant has not been reported in the literature in individuals affected with ABCA4-related conditions. ClinVar contains an entry for this variant (Variation ID: 1474681). Invitae Evidence Modeling of protein sequence and biophysical properties (such as structural, functional, and spatial information, amino acid conservation, physicochemical variation, residue mobility, and thermodynamic stability) indicates that this missense variant is expected to disrupt ABCA4 protein function with a positive predictive value of 95%. This variant disrupts the p.Asp1128 amino acid residue in ABCA4. Other variant(s) that disrupt this residue have been determined to be pathogenic (PMID: 31736247, 32619608). This suggests that this residue is clinically significant, and that variants that disrupt this residue are likely to be disease-causing. In summary, the currently available evidence indicates that the variant is pathogenic, but additional data are needed to prove that conclusively. Therefore, this variant has been classified as Likely Pathogenic.

Literature cited by the submitters: PubMed 31736247; PubMed 32619608.

NM_000350.3(ABCA4):c.3384C>G (p.Asp1128Glu)

Gene: ABCA4 (ATP binding cassette subfamily A member 4; minus strand). Cytogenetic location: 1p22.1.
Variant type: single nucleotide variant.
Coding change: c.3384C>G on transcript NM_000350.3 (MANE Select); coding-DNA position 3384, C replaced by G.
Protein change: p.Asp1128Glu; replaces aspartic acid 1128 with glutamic acid.
Molecular consequence: missense variant.
Genome position (GRCh38, 1-based): chr1:94,041,347, G>C on the plus strand (C>G on the coding strand, the complement: ABCA4 is on the minus strand). VCF-style: chr1-94041347-G-C. GRCh37 (hg19) VCF-style: chr1-94506903-G-C.
Other names: c.3162C>G, p.Asp1054Glu (NM_001425324.1); short protein forms D1128E, D1054E.
Identifiers: ClinVar variation 1474681 (VCV001474681.6), dbSNP rs369922919, ClinGen allele CA957947.